The following is an entry in ClinVar:

NM_000419.5(ITGA2B):c.2953C>T (p.Gln985Ter)

Gene: ITGA2B (integrin subunit alpha 2b; minus strand). Cytogenetic location: 17q21.31.
Variant type: single nucleotide variant.
Coding change: c.2953C>T on transcript NM_000419.5 (MANE Select); coding-DNA position 2953, C replaced by T.
Protein change: p.Gln985Ter; replaces glutamine 985 with a stop codon.
Molecular consequence: nonsense.
Genome position (GRCh38, 1-based): chr17:44,374,461, G>A on the plus strand (C>T on the coding strand, the complement: ITGA2B is on the minus strand). VCF-style: chr17-44374461-G-A. GRCh37 (hg19) VCF-style: chr17-42451829-G-A.
Other names: NM_000419.5:c.2953C>T; short protein forms Q985*.
Identifiers: ClinVar variation 1330320 (VCV001330320.1), dbSNP rs2143427792, ClinGen allele CA399790170.
Genomic context (GRCh38, chr17:44,374,461, plus strand): 5'-GCACACCCACCAGCACCCACCAGATTGGAATGGCCCTCTCCTCCAAGGCCCGGAGCAGCT[G>A]TGTCCACACCTGGGGGCAAACCCACGTGTCTCCTCAGTCACCTTGACACCTGCCTTTCAC-3'

ClinVar aggregate classification (germline): Pathogenic (3 of 4 stars; one submission).

Conditions:
Glanzmann thrombasthenia. Also called: THROMBASTHENIA OF GLANZMANN AND NAEGELI; BLEEDING DISORDER, PLATELET-TYPE, 2; Thrombasthenia; PLATELET GLYCOPROTEIN IIb-IIIa DEFICIENCY; Glanzmann's thrombasthenia. Identifiers: Orphanet 849, MedGen C0040015, MONDO:0100326.

Submission:

ClinGen Platelet Disorders Variant Curation Expert Panel, ClinGen
Classification: Pathogenic for Glanzmann thrombasthenia. Last evaluated: 2021-07-14. Review status: reviewed by expert panel. Criteria: ClinGen Platelet ACMG Specifications v2. Collection method: curation. Allele origin: germline. Inheritance: Autosomal recessive inheritance.
Comment: The ITGA2B nonsense variant NM_000419.5:c.2953C>T (p.Gln985Ter) introduces a premature termination codon and the resulting mRNA product is predicted to undergo nonsense mediated decay, leading to loss of normal protein function. This variant has been observed in homozygosity in one individual with a phenotype specific for Glanzmann's thrombasthenia (GT) (GT38, PMID: 16463284). Furthermore, this variant is absent from population databases. In summary, this variant meets criteria to be classified as pathogenic for GT. GT-specific criteria applied: PVS1, PM2_Supporting, PM3_Supporting, PP4_Moderate.